The following is an entry in ClinVar:

NM_002470.4(MYH3):c.470C>T (p.Ser157Phe)

Gene: MYH3 (myosin heavy chain 3; minus strand). Cytogenetic location: 17p13.1.
Variant type: single nucleotide variant.
Coding change: c.470C>T on transcript NM_002470.4 (MANE Select); coding-DNA position 470, C replaced by T.
Protein change: p.Ser157Phe; replaces serine 157 with phenylalanine.
Molecular consequence: missense variant.
Genome position (GRCh38, 1-based): chr17:10,651,547, G>A on the plus strand (C>T on the coding strand, the complement: MYH3 is on the minus strand). VCF-style: chr17-10651547-G-A. GRCh37 (hg19) VCF-style: chr17-10554864-G-A.
Other names: short protein forms S157F.
Identifiers: ClinVar variation 2130141 (VCV002130141.4), dbSNP rs923904074, ClinGen allele CA287754168.

ClinVar aggregate classification (germline): Uncertain significance (1 of 4 stars; one submission).

Submission:

Labcorp Genetics (formerly Invitae), Labcorp
Classification: Uncertain significance. Last evaluated: 2022-04-24. Review status: criteria provided, single submitter. Criteria: Invitae Variant Classification Sherloc (09022015). Collection method: clinical testing. Allele origin: germline.
Comment: In summary, the available evidence is currently insufficient to determine the role of this variant in disease. Therefore, it has been classified as a Variant of Uncertain Significance. Advanced modeling of protein sequence and biophysical properties (such as structural, functional, and spatial information, amino acid conservation, physicochemical variation, residue mobility, and thermodynamic stability) performed at Invitae indicates that this missense variant is expected to disrupt MYH3 protein function. This variant has not been reported in the literature in individuals affected with MYH3-related conditions. This variant is not present in population databases (gnomAD no frequency). This sequence change replaces serine, which is neutral and polar, with phenylalanine, which is neutral and non-polar, at codon 157 of the MYH3 protein (p.Ser157Phe).